The following is an entry in ClinVar:

NC_000017.10:g.(41251898_41256138)_(41256279_41256884)del

Gene: BRCA1 (BRCA1 DNA repair associated; minus strand). Cytogenetic location: 17q21.31.
Variant type: Deletion.
Identifiers: ClinVar variation 3233739 (VCV003233739.3).

ClinVar aggregate classification (germline): Pathogenic (1 of 4 stars; one submission).

Conditions:
Hereditary breast ovarian cancer syndrome. Also called: Hereditary breast and ovarian cancer syndrome; Hereditary breast and ovarian cancer; Hereditary breast and ovarian cancer syndrome (HBOC); Breast and ovarian cancer; Hereditary breast and/or ovarian cancer syndrome; BRCA1- and BRCA2-Associated Hereditary Breast and Ovarian Cancer. Identifiers: Orphanet 145, MedGen C0677776, MeSH D061325, MONDO:0003582. Disease mechanism: loss of function.

Submission:

Women's Health and Genetics/Laboratory Corporation of America, LabCorp
Classification: Pathogenic for Hereditary breast ovarian cancer syndrome. Last evaluated: 2025-05-15. Review status: criteria provided, single submitter. Criteria: LabCorp Variant Classification Summary - May 2015. Collection method: clinical testing. Allele origin: germline.
Comment: Variant summary: The variant involves the deletion of exon 6 in the BRCA1 gene. A presumed nomenclature of c.(301+1_302-1)_(441+1_442-1)del has been designated for the purposes of this classification. This Copy Number Variant (CNV) is expected to alter the reading frame and predicted to result in a truncation or absence of the encoded protein due to nonsense mediated decay (NMD). The variant was absent in 21694 control chromosomes in the gnomAD database (Structural Variants v2.1 dataset). To our knowledge, no occurrence of c.(301+1_302-1)_(441+1_442-1)del in individuals affected with Hereditary Breast And Ovarian Cancer Syndrome and no experimental evidence demonstrating its impact on protein function have been reported. ClinVar contains an entry for this variant (Variation ID: 832234). Based on the evidence outlined above, the variant was classified as pathogenic.